The following is an entry in ClinVar:

ClinVar aggregate classification (germline): Uncertain significance (1 of 4 stars; one submission).

Conditions:
Junctional epidermolysis bullosa with pyloric atresia. Also called: Junctional Epidermolysis Bullosa- Pyloric Atresia Syndrome; Epidermolysis bullosa, junctional, with pyloric atresia and aplasia cutis congenita; Epidermolysis bullosa junctionalis with pyloric atresia; EPIDERMOLYSIS BULLOSA, JUNCTIONAL 5B, WITH PYLORIC ATRESIA; ITGB4-Related Epidermolysis Bullosa with Pyloric Atresia; APLASIA CUTIS CONGENITA WITH GASTROINTESTINAL ATRESIA. Identifiers: Orphanet 79403, MedGen C5676875, MONDO:0009183, OMIM 226730.

Submission:

Diagnostics Services (NGS), CSIR - Centre For Cellular And Molecular Biology
Classification: Uncertain significance for Junctional epidermolysis bullosa with pyloric atresia. Last evaluated: 2026-02-02. Review status: criteria provided, single submitter. Criteria: ACMG Guidelines, 2015. Collection method: clinical testing. Allele origin: germline. Affected: yes. Observed: 1 variant allele, 1 homozygote.
Comment: The c.3655G>T variant is not present in publicly available population databases like 1000 Genomes, EVS, gnomAD, Indian Exome Database or in our internal database. This variant has neither been published in the literature for ITGB4-related conditions nor reported to clinical databases like Human Genome Mutation Database (HGMD), ClinVar or OMIM in any affected individuals. This variant is present near the exon-intron splice-junction (splice distance- 1 bp) and algorithms developed to predict the effect of sequence changes on RNA splicing suggest that this variant can disrupt the consensus splice site. In-silico pathogenicity prediction programs like HSF3.1, MutationTaster2, CADD, etc predicted this variant to be likely deleterious, however these predictions were not confirmed by published functional/translational studies.

NM_000213.5(ITGB4):c.3655G>T (p.Val1219Leu)

Gene: ITGB4 (integrin subunit beta 4; plus strand). Cytogenetic location: 17q25.1.
Variant type: single nucleotide variant.
Coding change: c.3655G>T on transcript NM_000213.5 (MANE Select); coding-DNA position 3655, G replaced by T.
Protein change: p.Val1219Leu; replaces valine 1219 with leucine.
Molecular consequence: missense variant.
Genome position (GRCh38, 1-based): chr17:75,750,860, G>T. VCF-style: chr17-75750860-G-T. GRCh37 (hg19) VCF-style: chr17-73746941-G-T.
Other names: c.3655G>T, p.Val1219Leu (NM_001005619.2, NM_001005731.3, NM_001321123.2 and 1 more transcripts); short protein forms V1219L.
Identifiers: ClinVar variation 4849688 (VCV004849688.1).